The following is an entry in ClinVar:

NM_000565.4(IL6R):c.1148C>T (p.Ala383Val)

Gene: IL6R (interleukin 6 receptor; plus strand). Cytogenetic location: 1q21.3.
Variant type: single nucleotide variant.
Coding change: c.1148C>T on transcript NM_000565.4 (MANE Select); coding-DNA position 1148, C replaced by T.
Protein change: p.Ala383Val; replaces alanine 383 with valine.
Molecular consequence: missense variant. On other transcripts: intron variant (2).
Genome position (GRCh38, 1-based): chr1:154,454,569, C>T. VCF-style: chr1-154454569-C-T. GRCh37 (hg19) VCF-style: chr1-154427045-C-T.
Other names: c.1247C>T, p.Ala416Val (NM_001382769.1); c.1241C>T, p.Ala414Val (NM_001382770.1); c.1196C>T, p.Ala399Val (NM_001382771.1); c.1142C>T, p.Ala381Val (NM_001382772.1); c.788C>T, p.Ala263Val (NM_001382774.1); c.1114+4589C>T (NM_001382773.1); c.1066+4589C>T (NM_181359.3); short protein forms A383V, A381V, A414V, A416V, A263V, A399V.
Identifiers: ClinVar variation 1365322 (VCV001365322.6), dbSNP rs2149269017, ClinGen allele CA342624979.
Genomic context (GRCh38, chr1:154,454,569, plus strand): 5'-CACTGCCCACATTCCTGGTTGCTGGAGGGAGCCTGGCCTTCGGAACGCTCCTCTGCATTG[C>T]CATTGTTCTGAGGTGAGATGGGTCCCAGGGGATGGCCCTGTGGTGTTCTCATATTTCTTA-3'
Protein context (NP_000556.1, residues 373-393): SLAFGTLLCI[Ala383Val]IVLRFKKTWK

ClinVar aggregate classification (germline): Uncertain significance (1 of 4 stars; one submission).

Submission:

Labcorp Genetics (formerly Invitae), Labcorp
Classification: Uncertain significance. Last evaluated: 2022-10-24. Review status: criteria provided, single submitter. Criteria: Invitae Variant Classification Sherloc (09022015). Collection method: clinical testing. Allele origin: germline.
Comment: This sequence change replaces alanine, which is neutral and non-polar, with valine, which is neutral and non-polar, at codon 383 of the IL6R protein (p.Ala383Val). In summary, the available evidence is currently insufficient to determine the role of this variant in disease. Therefore, it has been classified as a Variant of Uncertain Significance. Algorithms developed to predict the effect of missense changes on protein structure and function (SIFT, PolyPhen-2, Align-GVGD) all suggest that this variant is likely to be tolerated. ClinVar contains an entry for this variant (Variation ID: 1365322). This variant has not been reported in the literature in individuals affected with IL6R-related conditions. This variant is not present in population databases (gnomAD no frequency).